The following is an entry in ClinVar:

ClinVar aggregate classification (germline): Uncertain significance (1 of 4 stars; one submission).

Submission:

GeneDx
Classification: Uncertain significance. Last evaluated: 2026-02-05. Review status: criteria provided, single submitter. Criteria: GeneDx Variant Classification Process June 2021. Collection method: clinical testing. Allele origin: germline.
Comment: Not observed at significant frequency in large population cohorts (gnomAD); In silico analysis supports that this missense variant has a deleterious effect on protein structure/function; Has not been previously published as pathogenic or benign to our knowledge

NM_001164508.2(NEB):c.7379C>T (p.Pro2460Leu)

Gene: NEB (nebulin; minus strand). Cytogenetic location: 2q23.3.
Variant type: single nucleotide variant.
Coding change: c.7379C>T on transcript NM_001164508.2 (MANE Select); coding-DNA position 7379, C replaced by T.
Protein change: p.Pro2460Leu; replaces proline 2460 with leucine.
Molecular consequence: missense variant.
Genome position (GRCh38, 1-based): chr2:151,650,228, G>A on the plus strand (C>T on the coding strand, the complement: NEB is on the minus strand). VCF-style: chr2-151650228-G-A. GRCh37 (hg19) VCF-style: chr2-152506742-G-A.
Other names: c.7379C>T, p.Pro2460Leu (NM_001164507.2, NM_001271208.2, NM_004543.5); short protein forms P2460L.
Identifiers: ClinVar variation 1702538 (VCV001702538.3), dbSNP rs2099016244, ClinGen allele CA348787830.